The following is an entry in ClinVar:

NM_000157.4(GBA1):c.886C>T (p.Arg296Ter)

Genes: GBA1 (glucosylceramidase beta 1; minus strand), LOC106627981 (GBA recombination region; plus strand). Cytogenetic location: 1q22.
Variant type: single nucleotide variant.
Coding change: c.886C>T on transcript NM_000157.4 (MANE Select); coding-DNA position 886, C replaced by T.
Protein change: p.Arg296Ter; replaces arginine 296 with a stop codon.
Molecular consequence: nonsense.
Genome position (GRCh38, 1-based): chr1:155,237,454, G>A on the plus strand (C>T on the coding strand, the complement: GBA1 is on the minus strand). VCF-style: chr1-155237454-G-A. GRCh37 (hg19) VCF-style: chr1-155207245-G-A.
Other names: c.886C>T, p.Arg296Ter (NM_001005741.3, NM_001005742.3); c.625C>T, p.Arg209Ter (NM_001171811.2); c.739C>T, p.Arg247Ter (NM_001171812.2); short protein forms R296*, R247*, R209*.
Identifiers: ClinVar variation 558787 (VCV000558787.10), dbSNP rs1553217626, ClinGen allele CA342719584.
Genomic context (GRCh38, chr1:155,237,454, plus strand): 5'-GGACATTGTGGTGAGTACTGTTGGCGAGGGTAGGACCTAGGTCACGGGCAATGAAGTCTC[G>A]CTGATGTTCAGGGGTGAAGCCCAGGCACTGGAAGGGGTATCCACTCAACAGCCCAGCAGA-3'

ClinVar aggregate classification (germline): Pathogenic. Review status: criteria provided, multiple submitters, no conflicts (2 of 4 stars). 3 submissions from 3 submitters: Pathogenic (2). 1 of the submissions does not count toward it. Last evaluated 2026-01-16.

Conditions:
Gaucher disease. Also called: Acute cerebral Gaucher disease; Cerebroside lipidosis syndrome; Gaucher splenomegaly; Sphingolipidosis 1; Glucocerebrosidosis; Glucosylceramidase deficiency. Identifiers: Orphanet 355, MedGen C0017205, MONDO:0018150.

Allele frequency attached by ClinVar (database versions not stated): gnomAD exomes below 0.00001.
gnomAD v4.1: 1 of 1,613,960 alleles (0.000062%); highest among the groups gnomAD compares: Non-Finnish European, 0.000085%; no homozygotes.

Submissions (3):

Natera, Inc.
Classification: Pathogenic for Gaucher disease. Last evaluated: 2026-01-16. Review status: criteria provided, single submitter. Criteria: Natera Variant Classification Schema (03/2026). Collection method: clinical testing. Allele origin: germline.
Comment: The c.886C>T variant in GBA1 is a nonsense variant predicted to introduce a stop codon at amino acid 296. This variant is expected to result in nonsense mediated decay, truncation, or a dysfunctional protein product. This variant is rare in the general population with a frequency below the threshold expected for the associated phenotype(s). This variant has been observed in one or more individuals affected with the associated recessive disease, as either homozygous or compound heterozygous with a second variant (PMID: 10744424, 9554746). Given the available evidence, this variant is classified as Pathogenic.

Women's Health and Genetics/Laboratory Corporation of America, LabCorp
Classification: Pathogenic for Gaucher disease. Last evaluated: 2019-04-18. Review status: criteria provided, single submitter. Criteria: LabCorp Variant Classification Summary - May 2015. Collection method: clinical testing. Allele origin: germline.
Comment: Variant summary: GBA c.886C>T (p.Arg296X) results in a premature termination codon, predicted to cause a truncation of the encoded protein or absence of the protein due to nonsense mediated decay (NMD), which are commonly known mechanisms for disease. Truncations downstream of this position have been classified as pathogenic by our laboratory (eg. c.1192C>T(p.Arg398X), c.1250G>A(p.Trp417X)). The variant was absent in 251208 control chromosomes (gnomAD) but has been reported in the literature in individuals affected with Gaucher Disease (Alfonso_2007, Giraldo_2011, Hodanova_1999). These data indicate that the variant is likely to be associated with disease. By quantifying the decay and recovery by real time PCR, Montfort_2005, was able to show the existence of NMD for this variant. By performing protein truncation test, they also showed that the truncated proteins were detected only after NMD was inhibited by cycloheximide treatment. A ClinVar submission from a clinical diagnostic laboratory (evaluation after 2014) cites the variant as pathogenic. Based on the evidence outlined above, the variant was classified as pathogenic.

Mayo Clinic Laboratories, Mayo Clinic
Classification: Pathogenic. Last evaluated: 2018-02-12. Review status: no assertion criteria provided. Collection method: clinical testing. Allele origin: unknown. Not counted in ClinVar's aggregate classification.

Literature cited by the submitters: PubMed 10744424 (cited by Natera, Inc. and Women's Health and Genetics/Laboratory Corporation of America, LabCorp); PubMed 9554746 (cited by Natera, Inc. and Women's Health and Genetics/Laboratory Corporation of America, LabCorp); PubMed 15146461 (cited by Women's Health and Genetics/Laboratory Corporation of America, LabCorp); PubMed 17427031 (cited by Women's Health and Genetics/Laboratory Corporation of America, LabCorp); PubMed 22429443 (cited by Women's Health and Genetics/Laboratory Corporation of America, LabCorp); PubMed 16326120 (cited by Women's Health and Genetics/Laboratory Corporation of America, LabCorp).